The following is an entry in ClinVar:

ClinVar aggregate classification (germline): Benign. Review status: criteria provided, multiple submitters, no conflicts (2 of 4 stars). 2 submissions from 2 submitters: Benign (2). Last evaluated 2018-06-19.

Allele frequency attached by ClinVar (database versions not stated): 1000 Genomes Project 0.36242; 1000 Genomes Project 30x 0.37133; gnomAD 0.42694 and 0.44142; TOPMed 0.43178.
gnomAD v4.1: 64,844 of 152,100 alleles (43%); highest among the groups gnomAD compares: African/African-American, 63%; 15,387 homozygotes.

Submissions (2):

GeneDx
Classification: Benign. Last evaluated: 2018-06-19. Review status: criteria provided, single submitter. Criteria: GeneDx Variant Classification (06012015). Collection method: clinical testing. Allele origin: germline. Affected: yes.
Comment: This variant is considered likely benign or benign based on one or more of the following criteria: it is a conservative change, it occurs at a poorly conserved position in the protein, it is predicted to be benign by multiple in silico algorithms, and/or has population frequency not consistent with disease.

Breakthrough Genomics
Classification: Benign. Review status: criteria provided, single submitter. Criteria: ACMG Guidelines, 2015. Collection method: not provided. Allele origin: germline. Inheritance: Autosomal recessive inheritance. Affected: yes.

NM_025265.4(TSEN2):c.1339-163T>C

Gene: TSEN2 (tRNA splicing endonuclease subunit 2; plus strand). Cytogenetic location: 3p25.2.
Variant type: single nucleotide variant.
Coding change: c.1339-163T>C on transcript NM_025265.4 (MANE Select); 163 bases into the intron before coding-DNA position 1339, T replaced by C.
Molecular consequence: intron variant.
Genome position (GRCh38, 1-based): chr3:12,532,499, T>C. VCF-style: chr3-12532499-T-C. GRCh37 (hg19) VCF-style: chr3-12573998-T-C.
Other names: c.1338+840T>C (NM_001321278.2); c.1261-163T>C (NM_001321279.2, NM_001145393.3); c.1339-163T>C (NM_001145392.2, NM_001321277.2); c.1162-163T>C (NM_001145394.2).
Identifiers: ClinVar variation 670802 (VCV000670802.2), dbSNP rs167257, ClinGen allele CA11601307.